The following is an entry in ClinVar:

NM_000554.6(CRX):c.108del (p.Arg37fs)

Gene: CRX (cone-rod homeobox; plus strand). Cytogenetic location: 19q13.33.
Variant type: Deletion.
Coding change: c.108del on transcript NM_000554.6 (MANE Select); coding-DNA position 108, one base deleted (C; older notation c.108delC).
Protein change: p.Arg37fs; shifts the reading frame from arginine 37.
Molecular consequence: frameshift variant.
Genome position (GRCh38, 1-based): chr19:47,836,250, C deleted; the last of 5 consecutive C bases (chr19:47,836,246-47,836,250); deleting any one gives the same sequence. VCF-style (leftmost placement, unchanged base first): chr19-47836245-GC-G. GRCh37 (hg19) VCF-style: chr19-48339502-GC-G.
Other names: short protein forms R37fs.
Identifiers: ClinVar variation 1468996 (VCV001468996.6), dbSNP rs2123739840, ClinGen allele CA508003921.

ClinVar aggregate classification (germline): Pathogenic (1 of 4 stars; one submission).

Conditions:
Cone-rod dystrophy 2 (CORD2). Also called: Cone-rod retinal dystrophy 2; CONE-ROD RETINAL DYSTROPHY. Identifiers: Orphanet 1872, MedGen C3489532, MONDO:0007362, OMIM 120970.
Leber congenital amaurosis 7 (LCA7). Identifiers: Orphanet 65, MedGen C3151192, MONDO:0013449, OMIM 613829.

Submission:

Labcorp Genetics (formerly Invitae), Labcorp
Classification: Pathogenic for Cone-rod dystrophy 2; Leber congenital amaurosis 7. Last evaluated: 2024-04-17. Review status: criteria provided, single submitter. Criteria: Invitae Variant Classification Sherloc (09022015). Collection method: clinical testing. Allele origin: germline.
Comment: This sequence change creates a premature translational stop signal (p.Arg37Glyfs*38) in the CRX gene. While this is not anticipated to result in nonsense mediated decay, it is expected to disrupt the last 263 amino acid(s) of the CRX protein. This variant is not present in population databases (gnomAD no frequency). This variant has not been reported in the literature in individuals affected with CRX-related conditions. ClinVar contains an entry for this variant (Variation ID: 1468996). This variant disrupts a region of the CRX protein in which other variant(s) (p.Arg41Gln) have been determined to be pathogenic (PMID: 9427255, 11748859, 24265693, 29068479, 30543658, 31215831; Invitae). This suggests that this is a clinically significant region of the protein, and that variants that disrupt it are likely to be disease-causing. For these reasons, this variant has been classified as Pathogenic.

Literature cited by the submitters: PubMed 9427255; PubMed 11748859; PubMed 24265693; PubMed 29068479; PubMed 30543658; PubMed 31215831.